The following is an entry in ClinVar:

NM_032387.5(WNK4):c.3611G>A (p.Arg1204His)

Gene: WNK4 (WNK lysine deficient protein kinase 4; plus strand). Cytogenetic location: 17q21.2.
Variant type: single nucleotide variant.
Coding change: c.3611G>A on transcript NM_032387.5 (MANE Select); coding-DNA position 3611, G replaced by A.
Protein change: p.Arg1204His; replaces arginine 1204 with histidine.
Molecular consequence: missense variant.
Genome position (GRCh38, 1-based): chr17:42,796,302, G>A. VCF-style: chr17-42796302-G-A. GRCh37 (hg19) VCF-style: chr17-40948320-G-A.
Other names: c.2603G>A, p.Arg868His (NM_001321299.2); short protein forms R868H, R1204H.
Identifiers: ClinVar variation 4777234 (VCV004777234.1).

ClinVar aggregate classification (germline): Uncertain significance (1 of 4 stars; one submission).

gnomAD v4.1: 18 of 1,612,508 alleles (0.0011%); highest among the groups gnomAD compares: African/African-American, 0.004%; no homozygotes.

Submission:

Labcorp Genetics (formerly Invitae), Labcorp
Classification: Uncertain significance. Last evaluated: 2025-06-12. Review status: criteria provided, single submitter. Criteria: Invitae Variant Classification Sherloc (09022015). Collection method: clinical testing. Allele origin: germline.
Comment: This sequence change replaces arginine, which is basic and polar, with histidine, which is basic and polar, at codon 1204 of the WNK4 protein (p.Arg1204His). The frequency data for this variant in the population databases is considered unreliable, as metrics indicate poor data quality at this position in the gnomAD database. This variant has not been reported in the literature in individuals affected with WNK4-related conditions. Invitae Evidence Modeling of protein sequence and biophysical properties (such as structural, functional, and spatial information, amino acid conservation, physicochemical variation, residue mobility, and thermodynamic stability) indicates that this missense variant is not expected to disrupt WNK4 protein function with a negative predictive value of 95%. In summary, the available evidence is currently insufficient to determine the role of this variant in disease. Therefore, it has been classified as a Variant of Uncertain Significance.